The following is an entry in ClinVar:

ClinVar aggregate classification (germline): Uncertain significance (1 of 4 stars; one submission).

Submission:

Labcorp Genetics (formerly Invitae), Labcorp
Classification: Uncertain significance. Last evaluated: 2024-04-25. Review status: criteria provided, single submitter. Criteria: Invitae Variant Classification Sherloc (09022015). Collection method: clinical testing. Allele origin: germline.
Comment: This sequence change affects codon 320 of the SOX11 mRNA. It is a 'silent' change, meaning that it does not change the encoded amino acid sequence of the SOX11 protein. This variant is not present in population databases (gnomAD no frequency). This variant has not been reported in the literature in individuals affected with SOX11-related conditions. In summary, the available evidence is currently insufficient to determine the role of this variant in disease. Therefore, it has been classified as a Variant of Uncertain Significance.

NM_003108.4(SOX11):c.960G>A (p.Lys320=)

Gene: SOX11 (SRY-box transcription factor 11; plus strand). Cytogenetic location: 2p25.2.
Variant type: single nucleotide variant.
Coding change: c.960G>A on transcript NM_003108.4 (MANE Select); coding-DNA position 960, G replaced by A.
Protein change: p.Lys320=; no amino-acid change (lysine 320 retained).
Molecular consequence: synonymous variant.
Genome position (GRCh38, 1-based): chr2:5,693,681, G>A. VCF-style: chr2-5693681-G-A. GRCh37 (hg19) VCF-style: chr2-5833813-G-A.
Identifiers: ClinVar variation 3651248 (VCV003651248.2).